The following is an entry in ClinVar:

ClinVar aggregate classification (germline): Uncertain significance (1 of 4 stars; one submission).

gnomAD v4.1: 1 of 1,551,528 alleles (0.000064%); highest among the groups gnomAD compares: South Asian, 0.0013%; no homozygotes.

Submission:

GeneDx
Classification: Uncertain significance. Last evaluated: 2025-01-13. Review status: criteria provided, single submitter. Criteria: GeneDx Variant Classification Process June 2021. Collection method: clinical testing. Allele origin: germline. Affected: yes.
Comment: Not observed at significant frequency in large population cohorts (gnomAD); Missense variant in a gene in which most reported pathogenic variants are truncating/loss of function; Has not been previously published as pathogenic or benign to our knowledge

NM_001267550.2(TTN):c.52047C>G (p.Ile17349Met)

Genes: TTN (titin; minus strand), TTN-AS1 (TTN antisense RNA 1; plus strand). Cytogenetic location: 2q31.2.
Variant type: single nucleotide variant.
Coding change: c.52047C>G on transcript NM_001267550.2 (MANE Select); coding-DNA position 52047, C replaced by G.
Protein change: p.Ile17349Met; replaces isoleucine 17349 with methionine.
Molecular consequence: missense variant.
Genome position (GRCh38, 1-based): chr2:178,609,263, G>C on the plus strand (C>G on the coding strand, the complement: TTN is on the minus strand). VCF-style: chr2-178609263-G-C. GRCh37 (hg19) VCF-style: chr2-179473990-G-C.
Other names: c.47124C>G, p.Ile15708Met (NM_001256850.1); c.24852C>G, p.Ile8284Met (NM_003319.4); c.44343C>G, p.Ile14781Met (NM_133378.4); c.25227C>G, p.Ile8409Met (NM_133432.3); c.25428C>G, p.Ile8476Met (NM_133437.4); short protein forms I14781M, I15708M, I17349M, I8284M, I8409M, I8476M.
Identifiers: ClinVar variation 4056824 (VCV004056824.1).